The following is an entry in ClinVar:

ClinVar aggregate classification (germline): Uncertain significance (0 of 4 stars; one submission).

Conditions:
Prostate cancer. Also called: Malignant tumor of prostate. Identifiers: Orphanet 1331, MedGen C0376358, MONDO:0008315, HP:0012125.

Submission:

Science for Life laboratory,  Karolinska Institutet
Classification: Uncertain significance for Malignant tumor of prostate. Review status: no assertion criteria provided. Collection method: not provided. Allele origin: somatic.
Comment: TumorID:SWE-14
ClinVar note: Converted during submission from Unknown to Uncertain significance.

NM_000503.6(EYA1):c.1107G>T (p.Leu369Phe)

Gene: EYA1 (EYA transcriptional coactivator and phosphatase 1; minus strand). Cytogenetic location: 8q13.3.
Variant type: single nucleotide variant.
Coding change: c.1107G>T on transcript NM_000503.6 (MANE Select); coding-DNA position 1107, G replaced by T.
Protein change: p.Leu369Phe; replaces leucine 369 with phenylalanine.
Molecular consequence: missense variant. On other transcripts: intron variant (2).
Genome position (GRCh38, 1-based): chr8:71,244,636, C>A on the plus strand (G>T on the coding strand, the complement: EYA1 is on the minus strand). VCF-style: chr8-71244636-C-A. GRCh37 (hg19) VCF-style: chr8-72156871-C-A.
Other names: c.1089G>T, p.Leu363Phe (NM_001288574.2); c.741G>T, p.Leu247Phe (NM_001288575.2); c.1194G>T, p.Leu398Phe (NM_001370333.1); c.1107G>T, p.Leu369Phe (NM_001370334.1, NM_001370335.1, NM_172058.4); c.1119+25104G>T (NM_001370336.1); c.1122+25104G>T (NM_172059.5); short protein forms L369F, L363F, L398F, L247F.
Identifiers: ClinVar variation 161468 (VCV000161468.2), dbSNP rs193920835, ClinGen allele CA174092.